The following is an entry in ClinVar:

ClinVar aggregate classification (germline): Pathogenic (1 of 4 stars; one submission).

Conditions:
RYR1-related disorder. Also called: RYR1-related condition; RYR1-related disorders. Identifiers: MedGen CN239331.

Submission:

Labcorp Genetics (formerly Invitae), Labcorp
Classification: Pathogenic for RYR1-related disorder. Last evaluated: 2024-01-02. Review status: criteria provided, single submitter. Criteria: Invitae Variant Classification Sherloc (09022015). Collection method: clinical testing. Allele origin: germline.
Comment: This sequence change creates a premature translational stop signal (p.Trp881*) in the RYR1 gene. It is expected to result in an absent or disrupted protein product. Loss-of-function variants in RYR1 are known to be pathogenic (PMID: 23919265, 25960145, 28818389, 30611313). This variant is not present in population databases (gnomAD no frequency). This variant has not been reported in the literature in individuals affected with RYR1-related conditions. For these reasons, this variant has been classified as Pathogenic.

Literature cited by the submitters: PubMed 23919265; PubMed 25960145; PubMed 28818389; PubMed 30611313.

NM_000540.3(RYR1):c.2643G>A (p.Trp881Ter)

Gene: RYR1 (ryanodine receptor 1; plus strand). Cytogenetic location: 19q13.2.
Variant type: single nucleotide variant.
Coding change: c.2643G>A on transcript NM_000540.3 (MANE Select); coding-DNA position 2643, G replaced by A.
Protein change: p.Trp881Ter; replaces tryptophan 881 with a stop codon.
Molecular consequence: nonsense.
Genome position (GRCh38, 1-based): chr19:38,463,488, G>A. VCF-style: chr19-38463488-G-A. GRCh37 (hg19) VCF-style: chr19-38954128-G-A.
Other names: c.2643G>A, p.Trp881Ter (NM_001042723.2); short protein forms W881*.
Identifiers: ClinVar variation 2996294 (VCV002996294.3), dbSNP rs2514074208, ClinGen allele CA405632009.